The following is an entry in ClinVar:

NM_024642.5(GALNT12):c.1327C>A (p.Pro443Thr)

Gene: GALNT12 (polypeptide N-acetylgalactosaminyltransferase 12; plus strand). Cytogenetic location: 9q22.33.
Variant type: single nucleotide variant.
Coding change: c.1327C>A on transcript NM_024642.5 (MANE Select); coding-DNA position 1327, C replaced by A.
Protein change: p.Pro443Thr; replaces proline 443 with threonine.
Molecular consequence: missense variant.
Genome position (GRCh38, 1-based): chr9:98,840,116, C>A. VCF-style: chr9-98840116-C-A. GRCh37 (hg19) VCF-style: chr9-101602398-C-A.
Other names: short protein forms P443T.
Identifiers: ClinVar variation 936685 (VCV000936685.9), dbSNP rs201667596, ClinGen allele CA374221128.
Genomic context (GRCh38, chr9:98,840,116, plus strand): 5'-AAAGACTTCAAGTGGTTCTTGGAGACTGTGTATCCAGAACTGCATGTGCCTGAGGACAGG[C>A]CTGGCTTCTTCGGGATGGTGAGTGAGGGTGGTGGGCCCACGGCAGGCAGGGACTTCCCTG-3'
Protein context (NP_078918.3, residues 433-453): YPELHVPEDR[Pro443Thr]GFFGMLQNKG

ClinVar aggregate classification (germline): Uncertain significance (1 of 4 stars; one submission).

gnomAD v4.1: 1 of 1,613,834 alleles (0.000062%); no homozygotes.

Submission:

Labcorp Genetics (formerly Invitae), Labcorp
Classification: Uncertain significance. Last evaluated: 2022-06-23. Review status: criteria provided, single submitter. Criteria: Invitae Variant Classification Sherloc (09022015). Collection method: clinical testing. Allele origin: germline.
Comment: In summary, the available evidence is currently insufficient to determine the role of this variant in disease. Therefore, it has been classified as a Variant of Uncertain Significance. Algorithms developed to predict the effect of missense changes on protein structure and function are either unavailable or do not agree on the potential impact of this missense change (SIFT: "Tolerated"; PolyPhen-2: "Possibly Damaging"; Align-GVGD: "Class C0"). ClinVar contains an entry for this variant (Variation ID: 936685). This variant has not been reported in the literature in individuals affected with GALNT12-related conditions. This variant is not present in population databases (gnomAD no frequency). This sequence change replaces proline, which is neutral and non-polar, with threonine, which is neutral and polar, at codon 443 of the GALNT12 protein (p.Pro443Thr).